The following is an entry in ClinVar:

NM_001355436.2(SPTB):c.3286G>A (p.Ala1096Thr)

Gene: SPTB (spectrin beta, erythrocytic; minus strand). Cytogenetic location: 14q23.3.
Variant type: single nucleotide variant.
Coding change: c.3286G>A on transcript NM_001355436.2 (MANE Select); coding-DNA position 3286, G replaced by A.
Protein change: p.Ala1096Thr; replaces alanine 1096 with threonine.
Molecular consequence: missense variant.
Genome position (GRCh38, 1-based): chr14:64,786,679, C>T on the plus strand (G>A on the coding strand, the complement: SPTB is on the minus strand). VCF-style: chr14-64786679-C-T. GRCh37 (hg19) VCF-style: chr14-65253397-C-T.
Other names: c.3286G>A, p.Ala1096Thr (NM_001024858.4, NM_001355437.2); short protein forms A1096T.
Identifiers: ClinVar variation 3695481 (VCV003695481.2).

ClinVar aggregate classification (germline): Uncertain significance (1 of 4 stars; one submission).

Submission:

Labcorp Genetics (formerly Invitae), Labcorp
Classification: Uncertain significance. Last evaluated: 2025-01-14. Review status: criteria provided, single submitter. Criteria: Invitae Variant Classification Sherloc (09022015). Collection method: clinical testing. Allele origin: germline.
Comment: This sequence change replaces alanine, which is neutral and non-polar, with threonine, which is neutral and polar, at codon 1096 of the SPTB protein (p.Ala1096Thr). This variant is not present in population databases (gnomAD no frequency). This variant has not been reported in the literature in individuals affected with SPTB-related conditions. An algorithm developed to predict the effect of missense changes on protein structure and function (PolyPhen-2) suggests that this variant is likely to be tolerated. In summary, the available evidence is currently insufficient to determine the role of this variant in disease. Therefore, it has been classified as a Variant of Uncertain Significance.